The following is an entry in ClinVar:

NM_001379500.1(COL18A1):c.2942A>G (p.Glu981Gly)

Genes: COL18A1 (collagen type XVIII alpha 1 chain; plus strand), SLC19A1 (solute carrier family 19 member 1; minus strand). Cytogenetic location: 21q22.3.
Variant type: single nucleotide variant.
Coding change: c.2942A>G on transcript NM_001379500.1 (MANE Select); coding-DNA position 2942, A replaced by G.
Protein change: p.Glu981Gly; replaces glutamic acid 981 with glycine.
Molecular consequence: missense variant.
Genome position (GRCh38, 1-based): chr21:45,505,207, A>G. VCF-style: chr21-45505207-A-G. GRCh37 (hg19) VCF-style: chr21-46925121-A-G.
Other names: c.3473A>G, p.Glu1158Gly (NM_030582.4); c.4178A>G, p.Glu1393Gly (NM_130444.3); short protein forms E981G, E1158G, E1393G.
Identifiers: ClinVar variation 1396181 (VCV001396181.6), dbSNP rs1328188989, ClinGen allele CA410499513.
Genomic context (GRCh38, chr21:45,505,207, plus strand): 5'-AGAGCATCCGGGGCCAGCCCGGCCCACCTGGACCTCAGGGACCCCCCGGCATCGGCTACG[A>G]GGGGCGCCAGGGCCCTCCCGGCCCCCCAGGCCCCCCAGGGCCCCCTTCATTTCCTGGCCC-3'
Protein context (NP_001366429.1, residues 971-991): GPQGPPGIGY[Glu981Gly]GRQGPPGPPG

ClinVar aggregate classification (germline): Uncertain significance (1 of 4 stars; one submission).

Allele frequency attached by ClinVar (database versions not stated): gnomAD exomes below 0.00001; TOPMed below 0.00001; gnomAD 0.00001.
gnomAD v4.1: 3 of 1,602,698 alleles (0.00019%); highest among the groups gnomAD compares: African/African-American, 0.0027%; no homozygotes.

Submission:

Labcorp Genetics (formerly Invitae), Labcorp
Classification: Uncertain significance. Last evaluated: 2024-12-16. Review status: criteria provided, single submitter. Criteria: Invitae Variant Classification Sherloc (09022015). Collection method: clinical testing. Allele origin: germline.
Comment: This sequence change replaces glutamic acid, which is acidic and polar, with glycine, which is neutral and non-polar, at codon 978 of the COL18A1 protein (p.Glu978Gly). This variant is present in population databases (no rsID available, gnomAD 0.007%). This variant has not been reported in the literature in individuals affected with COL18A1-related conditions. ClinVar contains an entry for this variant (Variation ID: 1396181). Experimental studies and prediction algorithms are not available or were not evaluated, and the functional significance of this variant is currently unknown. In summary, the available evidence is currently insufficient to determine the role of this variant in disease. Therefore, it has been classified as a Variant of Uncertain Significance.